The following is an entry in ClinVar:

NM_002662.5(PLD1):c.1319G>C (p.Arg440Pro)

Gene: PLD1 (phospholipase D1; minus strand). Cytogenetic location: 3q26.31.
Variant type: single nucleotide variant.
Coding change: c.1319G>C on transcript NM_002662.5 (MANE Select); coding-DNA position 1319, G replaced by C.
Protein change: p.Arg440Pro; replaces arginine 440 with proline.
Molecular consequence: missense variant.
Genome position (GRCh38, 1-based): chr3:171,692,351, C>G on the plus strand (G>C on the coding strand, the complement: PLD1 is on the minus strand). VCF-style: chr3-171692351-C-G. GRCh37 (hg19) VCF-style: chr3-171410141-C-G.
Other names: c.1319G>C, p.Arg440Pro (NM_001130081.3); short protein forms R440P.
Identifiers: ClinVar variation 1450383 (VCV001450383.6), dbSNP rs146936145, ClinGen allele CA355500818.

ClinVar aggregate classification (germline): Uncertain significance (1 of 4 stars; one submission).

gnomAD v4.1: 2 of 1,514,538 alleles (0.00013%); highest among the groups gnomAD compares: East Asian, 0.0045%; no homozygotes.

Submission:

Labcorp Genetics (formerly Invitae), Labcorp
Classification: Uncertain significance. Last evaluated: 2021-10-04. Review status: criteria provided, single submitter. Criteria: Invitae Variant Classification Sherloc (09022015). Collection method: clinical testing. Allele origin: germline.
Comment: This variant is not present in population databases (ExAC no frequency). In summary, the available evidence is currently insufficient to determine the role of this variant in disease. Therefore, it has been classified as a Variant of Uncertain Significance. Algorithms developed to predict the effect of missense changes on protein structure and function (SIFT, PolyPhen-2, Align-GVGD) all suggest that this variant is likely to be tolerated. This variant has not been reported in the literature in individuals affected with PLD1-related conditions. This sequence change replaces arginine with proline at codon 440 of the PLD1 protein (p.Arg440Pro). The arginine residue is weakly conserved and there is a moderate physicochemical difference between arginine and proline.